The following is an entry in ClinVar:

ClinVar aggregate classification (germline): Likely pathogenic. Review status: criteria provided, multiple submitters, no conflicts (2 of 4 stars). 2 submissions from 2 submitters: Likely pathogenic (2). Last evaluated 2025-05-18.

Conditions:
Factor I deficiency (CFID). Also called: Complement factor I deficiency. Identifiers: Orphanet 200418, MedGen C3463916, MONDO:0012594, OMIM 610984.

Allele frequency attached by ClinVar (database versions not stated): TOPMed below 0.00001.
gnomAD v4.1: 7 of 1,614,032 alleles (0.00043%); highest among the groups gnomAD compares: Non-Finnish European, 0.00059%; no homozygotes.

Submissions (2):

Labcorp Genetics (formerly Invitae), Labcorp
Classification: Likely pathogenic. Last evaluated: 2025-05-18. Review status: criteria provided, single submitter. Criteria: Invitae Variant Classification Sherloc (09022015). Collection method: clinical testing. Allele origin: germline.
Comment: This sequence change affects a donor splice site in intron 4 of the CFI gene. It is expected to disrupt RNA splicing. Variants that disrupt the donor or acceptor splice site typically lead to a loss of protein function (PMID: 16199547), and loss-of-function variants in CFI are known to be pathogenic (PMID: 15917334, 16621965, 19065647, 20016463, 22710145). This variant is not present in population databases (gnomAD no frequency). This variant has not been reported in the literature in individuals affected with CFI-related conditions. ClinVar contains an entry for this variant (Variation ID: 2627275). Algorithms developed to predict the effect of sequence changes on RNA splicing suggest that this variant may disrupt the consensus splice site. In summary, the currently available evidence indicates that the variant is pathogenic, but additional data are needed to prove that conclusively. Therefore, this variant has been classified as Likely Pathogenic.

Women's Health and Genetics/Laboratory Corporation of America, LabCorp
Classification: Likely pathogenic for Factor I deficiency. Last evaluated: 2023-09-19. Review status: criteria provided, single submitter. Criteria: LabCorp Variant Classification Summary - May 2015. Collection method: clinical testing. Allele origin: germline.
Comment: Variant summary: CFI c.658+1G>A is located in a canonical splice-site and is predicted to affect mRNA splicing resulting in a significantly altered protein due to either exon skipping, shortening, or inclusion of intronic material. Several computational tools predict a significant impact on normal splicing: Three predict the variant abolishes the canonical 5' splicing donor site. However, these predictions have yet to be confirmed by functional studies. The variant was absent in 251436 control chromosomes (gnomAD). To our knowledge, no occurrence of c.658+1G>A in individuals affected with Complement Factor I Deficiency and no experimental evidence demonstrating its impact on protein function have been reported. No submitters have cited clinical-significance assessments for this variant to ClinVar after 2014. Based on the evidence outlined above, the variant was classified as likely pathogenic.

Literature cited by the submitters: PubMed 16199547 (cited by Labcorp Genetics (formerly Invitae), Labcorp); PubMed 15917334 (cited by Labcorp Genetics (formerly Invitae), Labcorp); PubMed 16621965 (cited by Labcorp Genetics (formerly Invitae), Labcorp); PubMed 19065647 (cited by Labcorp Genetics (formerly Invitae), Labcorp); PubMed 20016463 (cited by Labcorp Genetics (formerly Invitae), Labcorp); PubMed 22710145 (cited by Labcorp Genetics (formerly Invitae), Labcorp).

NM_000204.5(CFI):c.658+1G>A

Gene: CFI (complement factor I; minus strand). Cytogenetic location: 4q25.
Variant type: single nucleotide variant.
Coding change: c.658+1G>A on transcript NM_000204.5 (MANE Select); the canonical splice donor site of the intron after coding-DNA position 658, G replaced by A.
Molecular consequence: splice donor variant.
Genome position (GRCh38, 1-based): chr4:109,761,516, C>T on the plus strand (G>A on the coding strand, the complement: CFI is on the minus strand). VCF-style: chr4-109761516-C-T. GRCh37 (hg19) VCF-style: chr4-110682672-C-T.
Other names: c.658+1G>A (NM_001375282.1, NM_001375280.1, NM_001375281.1 and 5 more transcripts); c.49+1G>A (NM_001375284.1).
Identifiers: ClinVar variation 2627275 (VCV002627275.4), dbSNP rs1360382612, ClinGen allele CA357862460.